The following is an entry in ClinVar:

NM_001142800.2(EYS):c.9226T>C (p.Phe3076Leu)

Genes: EYS (eyes shut homolog; minus strand), PHF3 (PHD finger protein 3; plus strand). Cytogenetic location: 6q12.
Variant type: single nucleotide variant.
Coding change: c.9226T>C on transcript NM_001142800.2 (MANE Select); coding-DNA position 9226, T replaced by C.
Protein change: p.Phe3076Leu; replaces phenylalanine 3076 with leucine.
Molecular consequence: missense variant. On other transcripts: 3 prime UTR variant (5).
Genome position (GRCh38, 1-based): chr6:63,720,805, A>G on the plus strand (T>C on the coding strand, the complement: EYS is on the minus strand). VCF-style: chr6-63720805-A-G. GRCh37 (hg19) VCF-style: chr6-64430701-A-G.
Other names: c.*7097A>G (NM_001290259.2, NM_001370348.2, NM_001370349.2 and 2 more transcripts); c.9289T>C, p.Phe3097Leu (NM_001292009.2); short protein forms F3097L, F3076L.
Identifiers: ClinVar variation 1388473 (VCV001388473.3), dbSNP rs2149623765, ClinGen allele CA364382963.
Genomic context (GRCh38, chr6:63,720,805, plus strand): 5'-CCTTTCTACCATATTCAAAGCCCCCTAGATAACAAATGCCATCATAGTTTAGAGCCACAA[A>G]GTTTTTATGTGGATCAATATCCTCGGAAAGAATTAGACTGTTATTTATGTAGGCCTTGAT-3'
Protein context (NP_001136272.1, residues 3066-3086): LSEDIDPHKN[Phe3076Leu]VALNYDGICY

ClinVar aggregate classification (germline): Uncertain significance (1 of 4 stars; one submission).

Submission:

Labcorp Genetics (formerly Invitae), Labcorp
Classification: Uncertain significance. Last evaluated: 2022-08-16. Review status: criteria provided, single submitter. Criteria: Invitae Variant Classification Sherloc (09022015). Collection method: clinical testing. Allele origin: germline.
Comment: This sequence change replaces phenylalanine, which is neutral and non-polar, with leucine, which is neutral and non-polar, at codon 3076 of the EYS protein (p.Phe3076Leu). This variant is not present in population databases (gnomAD no frequency). This variant has not been reported in the literature in individuals affected with EYS-related conditions. ClinVar contains an entry for this variant (Variation ID: 1388473). Algorithms developed to predict the effect of missense changes on protein structure and function output the following: SIFT: "Tolerated"; PolyPhen-2: "Possibly Damaging"; Align-GVGD: "Class C0". The leucine amino acid residue is found in multiple mammalian species, which suggests that this missense change does not adversely affect protein function. In summary, the available evidence is currently insufficient to determine the role of this variant in disease. Therefore, it has been classified as a Variant of Uncertain Significance.